The following is an entry in ClinVar:

NC_000003.11:g.(?_81627066)_(81643184_?)del

Gene: GBE1 (1,4-alpha-glucan branching enzyme 1; minus strand). Cytogenetic location: 3p12.2.
Variant type: Deletion.
Identifiers: ClinVar variation 2422490 (VCV002422490.3).

ClinVar aggregate classification (germline): Pathogenic (1 of 4 stars; one submission).

Conditions:
Glycogen storage disease, type IV (GSD4). Also called: AMYLOPECTINOSIS; ANDERSEN DISEASE; BRANCHER DEFICIENCY; CIRRHOSIS, FAMILIAL, WITH DEPOSITION OF ABNORMAL GLYCOGEN; Glycogen storage disease due to glycogen branching enzyme deficiency; GBE1 DEFICIENCY. Identifiers: Orphanet 367, MedGen C0017923, MONDO:0009292, OMIM 232500.
Glycogen storage disease IV, classic hepatic. Also called: GSD IV, CLASSIC HEPATIC. Identifiers: MedGen C1856301.

Submission:

Labcorp Genetics (formerly Invitae), Labcorp
Classification: Pathogenic for Glycogen storage disease, type IV; Glycogen storage disease IV, classic hepatic. Last evaluated: 2022-01-16. Review status: criteria provided, single submitter. Criteria: Invitae Variant Classification Sherloc (09022015). Collection method: clinical testing. Allele origin: germline.
Comment: This variant is a gross deletion of the genomic region encompassing exon(s) 8-12 of the GBE1 gene. This deletion is out-of-frame, and is expected to create a premature termination codon and result in an absent or disrupted protein product. Loss-of-function variants in GBE1 are known to be pathogenic (PMID: 15452297, 20058079). A similar copy number variant has been observed in individual(s) with glycogen storage disease (PMID: 15019703). For these reasons, this variant has been classified as Pathogenic.

Literature cited by the submitters: PubMed 15452297; PubMed 20058079; PubMed 15019703.